The following is an entry in ClinVar:

NM_005422.4(TECTA):c.1898G>A (p.Cys633Tyr)

Genes: TBCEL-TECTA (TBCEL-TECTA readthrough; plus strand), TECTA (tectorin alpha; plus strand). Cytogenetic location: 11q23.3.
Variant type: single nucleotide variant.
Coding change: c.1898G>A on transcript NM_005422.4 (MANE Select); coding-DNA position 1898, G replaced by A.
Protein change: p.Cys633Tyr; replaces cysteine 633 with tyrosine.
Molecular consequence: missense variant.
Genome position (GRCh38, 1-based): chr11:121,127,875, G>A. VCF-style: chr11-121127875-G-A. GRCh37 (hg19) VCF-style: chr11-120998584-G-A.
Other names: c.2855G>A, p.Cys952Tyr (NM_001378761.1); short protein forms C633Y, C952Y.
Identifiers: ClinVar variation 1305232 (VCV001305232.2), dbSNP rs749358841, ClinGen allele CA229814073.
Genomic context (GRCh38, chr11:121,127,875, plus strand): 5'-CATGCTCCGACCTGACGGCCTCGCGGAACTGCGCCACGCCGTGCACAGAGGGCTGCGAGT[G>A]CAACCAGGGCTTCGTCCTCAGCACCAGCCAGTGCGTCCCTCTGCACAAGTGCGGCTGCGA-3'
Protein context (NP_005413.2, residues 623-643): CATPCTEGCE[Cys633Tyr]NQGFVLSTSQ

ClinVar aggregate classification (germline): Uncertain significance (1 of 4 stars; one submission).

Submission:

GeneDx
Classification: Uncertain significance. Last evaluated: 2019-04-23. Review status: criteria provided, single submitter. Criteria: GeneDx Variant Classification Process June 2021. Collection method: clinical testing. Allele origin: germline. Affected: yes.
Comment: Not observed in large population cohorts (Lek et al., 2016); In silico analysis, which includes protein predictors and evolutionary conservation, supports a deleterious effect; Has not been previously published as pathogenic or benign to our knowledge